The following is an entry in ClinVar:

ClinVar aggregate classification (germline): Pathogenic (1 of 4 stars; one submission).

Conditions:
Inborn genetic diseases. Identifiers: MedGen C0950123, MeSH D030342.

Submission:

Ambry Genetics
Classification: Pathogenic for Inborn genetic diseases. Last evaluated: 2026-06-10. Review status: criteria provided, single submitter. Criteria: Ambry Variant Classification Scheme 2023. Collection method: clinical testing. Allele origin: germline.
Comment: The c.1708dupT (p.Y570Lfs*8) alteration, located in exon 9 (coding exon 8) of the ACAN gene, consists of a duplication of T at position 1708, causing a translational frameshift with a predicted alternate stop codon after 8 amino acids. This variant is expected to result in loss of function by premature protein truncation or nonsense-mediated mRNA decay. This variant was not reported in population-based cohorts in the Genome Aggregation Database (gnomAD). Based on the available evidence, this alteration is classified as pathogenic.

NM_001369268.1(ACAN):c.1708dup (p.Tyr570fs)

Gene: ACAN (aggrecan; plus strand). Cytogenetic location: 15q26.1.
Variant type: Duplication.
Coding change: c.1708dup on transcript NM_001369268.1 (MANE Select); coding-DNA position 1708, one base duplicated (T; older notation c.1708dupT).
Protein change: p.Tyr570fs; shifts the reading frame from tyrosine 570.
Molecular consequence: frameshift variant.
Genome position (GRCh38, 1-based): chr15:88,848,014, T duplicated. VCF-style (leftmost placement, unchanged base first): chr15-88848013-C-CT. GRCh37 (hg19) VCF-style: chr15-89391244-C-CT.
Other names: c.1708dup, p.Tyr570fs (NM_001135.4, NM_001411096.1, NM_001411097.1 and 1 more transcripts); short protein forms Y570fs.
Identifiers: ClinVar variation 4866487 (VCV004866487.1).
Genomic context (GRCh38, chr15:88,848,013, plus strand): 5'-GGACAGCAGCCCAGGGGTCAGGACCTATGGCGTGCGCCCATCAACAGAGACCTACGATGT[C>CT]TACTGCTTTGTAGACAGACTTGAGGGTACAAGCCACATTCTCACATTTCGGGCCCTAGAT-3'